The following is an entry in ClinVar:

NM_021813.4(BACH2):c.851A>T (p.Asn284Ile)

Gene: BACH2 (BACH transcriptional regulator 2; minus strand). Cytogenetic location: 6q15.
Variant type: single nucleotide variant.
Coding change: c.851A>T on transcript NM_021813.4 (MANE Select); coding-DNA position 851, A replaced by T.
Protein change: p.Asn284Ile; replaces asparagine 284 with isoleucine.
Molecular consequence: missense variant.
Genome position (GRCh38, 1-based): chr6:89,951,255, T>A on the plus strand (A>T on the coding strand, the complement: BACH2 is on the minus strand). VCF-style: chr6-89951255-T-A. GRCh37 (hg19) VCF-style: chr6-90660974-T-A.
Other names: c.851A>T, p.Asn284Ile (NM_001170794.2); short protein forms N284I.
Identifiers: ClinVar variation 4741611 (VCV004741611.1).

ClinVar aggregate classification (germline): Uncertain significance (1 of 4 stars; one submission).

Submission:

Labcorp Genetics (formerly Invitae), Labcorp
Classification: Uncertain significance. Last evaluated: 2025-04-19. Review status: criteria provided, single submitter. Criteria: Invitae Variant Classification Sherloc (09022015). Collection method: clinical testing. Allele origin: germline.
Comment: This sequence change replaces asparagine, which is neutral and polar, with isoleucine, which is neutral and non-polar, at codon 284 of the BACH2 protein (p.Asn284Ile). This variant is not present in population databases (gnomAD no frequency). This variant has not been reported in the literature in individuals affected with BACH2-related conditions. Invitae Evidence Modeling of protein sequence and biophysical properties (such as structural, functional, and spatial information, amino acid conservation, physicochemical variation, residue mobility, and thermodynamic stability) indicates that this missense variant is not expected to disrupt BACH2 protein function with a negative predictive value of 80%. In summary, the available evidence is currently insufficient to determine the role of this variant in disease. Therefore, it has been classified as a Variant of Uncertain Significance.